The following is an entry in ClinVar:

NM_001318734.2(KLC2):c.529+5G>A

Genes: KLC2 (kinesin light chain 2; plus strand), KLC2-AS1 (KLC2 antisense RNA 1; minus strand). Cytogenetic location: 11q13.2.
Variant type: single nucleotide variant.
Coding change: c.529+5G>A on transcript NM_001318734.2 (MANE Select); 5 bases into the intron after coding-DNA position 529, G replaced by A.
Molecular consequence: intron variant.
Genome position (GRCh38, 1-based): chr11:66,262,197, G>A. VCF-style: chr11-66262197-G-A. GRCh37 (hg19) VCF-style: chr11-66029668-G-A.
Other names: c.529+5G>A (NM_001134775.2, NM_022822.3, NM_001134776.2); c.298+5G>A (NM_001134774.2).
Identifiers: ClinVar variation 4761295 (VCV004761295.1).

ClinVar aggregate classification (germline): Uncertain significance (1 of 4 stars; one submission).

gnomAD v4.1: 7 of 1,611,780 alleles (0.00043%); highest among the groups gnomAD compares: Non-Finnish European, 0.00051%; no homozygotes.

Submission:

Labcorp Genetics (formerly Invitae), Labcorp
Classification: Uncertain significance. Last evaluated: 2025-06-29. Review status: criteria provided, single submitter. Criteria: Invitae Variant Classification Sherloc (09022015). Collection method: clinical testing. Allele origin: germline.
Comment: This sequence change falls in intron 4 of the KLC2 gene. It does not directly change the encoded amino acid sequence of the KLC2 protein. It affects a nucleotide within the consensus splice site. This variant is not present in population databases (gnomAD no frequency). This variant has not been reported in the literature in individuals affected with KLC2-related conditions. Variants that disrupt the consensus splice site are a relatively common cause of aberrant splicing (PMID: 17576681, 9536098). Algorithms developed to predict the effect of sequence changes on RNA splicing suggest that this variant is not likely to affect RNA splicing. In summary, the available evidence is currently insufficient to determine the role of this variant in disease. Therefore, it has been classified as a Variant of Uncertain Significance.

Literature cited by the submitters: PubMed 17576681; PubMed 9536098.